The following is an entry in ClinVar:

ClinVar aggregate classification (germline): Pathogenic/Likely pathogenic. Review status: criteria provided, multiple submitters, no conflicts (2 of 4 stars). 5 submissions from 5 submitters: Pathogenic (4); Likely pathogenic (1). Last evaluated 2025-11-22.

Conditions:
Hereditary cancer-predisposing syndrome. Also called: Neoplastic Syndromes, Hereditary; Hereditary Cancer Syndrome; Tumor predisposition; Hereditary neoplastic syndrome. Identifiers: Orphanet 140162, MedGen C0027672, MeSH D009386, MONDO:0015356.
Multiple endocrine neoplasia, type 1 (MEN1). Also called: MEN I; WERMER SYNDROME; Endocrine adenomatosis multiple; MEN 1; MEA I. Identifiers: Orphanet 652, MedGen C0025267, MeSH D018761, MONDO:0007540, OMIM 131100.

Submissions (5):

Labcorp Genetics (formerly Invitae), Labcorp
Classification: Pathogenic for Multiple endocrine neoplasia, type 1. Last evaluated: 2025-11-22. Review status: criteria provided, single submitter. Criteria: Invitae Variant Classification Sherloc (09022015). Collection method: clinical testing. Allele origin: germline.
Comment: This sequence change replaces tryptophan, which is neutral and slightly polar, with cysteine, which is neutral and slightly polar, at codon 436 of the MEN1 protein (p.Trp436Cys). This variant is not present in population databases (gnomAD no frequency). This missense change has been observed in individuals with multiple endocrine neoplasia type 1 (PMID: 15714081; internal data). Invitae Evidence Modeling of clinical and family history, age, sex, and reported ancestry of multiple individuals with this MEN1 variant has been performed. This variant is expected to be pathogenic with a positive predictive value of at least 99%. This is a validated machine learning model that incorporates the clinical features of 1,366,787 individuals referred to our laboratory for MEN1 testing. ClinVar contains an entry for this variant (Variation ID: 96250). Invitae Evidence Modeling of protein sequence and biophysical properties (such as structural, functional, and spatial information, amino acid conservation, physicochemical variation, residue mobility, and thermodynamic stability) indicates that this missense variant is expected to disrupt MEN1 protein function with a positive predictive value of 95%. Experimental studies have shown that this missense change affects MEN1 function (PMID: 22090276). This variant disrupts the p.Trp436 amino acid residue in MEN1. Other variant(s) that disrupt this residue have been determined to be pathogenic (PMID: 9103196, 21127195, 21819486). This suggests that this residue is clinically significant, and that variants that disrupt this residue are likely to be disease-causing. For these reasons, this variant has been classified as Pathogenic.

Ambry Genetics
Classification: Pathogenic for Hereditary cancer-predisposing syndrome. Last evaluated: 2024-12-28. Review status: criteria provided, single submitter. Criteria: Ambry Variant Classification Scheme 2023. Collection method: clinical testing. Allele origin: germline.
Comment: The p.W436C pathogenic mutation (also known as c.1308G>T), located in coding exon 8 of the MEN1 gene, results from a G to T substitution at nucleotide position 1308. The tryptophan at codon 436 is replaced by cysteine, an amino acid with highly dissimilar properties. This variant was reported in individual(s) with features consistent with Multiple endocrine neoplasia type 1 (MEN1) (Klein RD et al. Genet Med. 2005 Feb;7(2):131-8; Ambry internal data). The authors of one functional study suggested that the W436C mutant protein was targeted for rapid degradation based on low levels of expression compared to wild type menin (Canaff L. et al. J. Clin. Endocrinol. Metab. 2012 Feb;97(2):E282-91). Based on internal structural analysis, the W436 residue is buried and this alteration is anticipated to result in a significant decrease in structural stability (Huang J et al. Nature. 2012 Feb 12;482(7386):542-6). This amino acid position is highly conserved in available vertebrate species. In addition, this alteration is predicted to be deleterious by in silico analysis. This variant is considered to be rare based on population cohorts in the Genome Aggregation Database (gnomAD). Based on the supporting evidence, this variant is interpreted as a disease-causing mutation.

Athena Diagnostics
Classification: Pathogenic. Last evaluated: 2021-08-19. Review status: criteria provided, single submitter. Criteria: Athena Diagnostics Criteria. Collection method: clinical testing. Allele origin: unknown.
Comment: This variant has not been reported in large, multi-ethnic general populations. This variant appears to be associated with disease in at least one family, however, the available information does not rule out an apparent association due to chance. Assessment of experimental evidence suggests this variant results in abnormal protein function. This variant causes the MEN1 gene product to be rapidly cleared by proteasomal degradation (PMID: 22090276).

Revvity Omics, Revvity
Classification: Likely pathogenic for Multiple endocrine neoplasia, type 1. Last evaluated: 2019-06-06. Review status: criteria provided, single submitter. Criteria: ACMG Guidelines, 2015. Collection method: clinical testing. Allele origin: germline.

Eurofins Ntd Llc (ga)
Classification: Pathogenic. Last evaluated: 2015-08-31. Review status: criteria provided, single submitter. Criteria: EGL Classification Definitions. Collection method: clinical testing. Allele origin: germline. Observed: 3 variant alleles, 3 heterozygotes.

Literature cited by the submitters: PubMed 15714081 (cited by Labcorp Genetics (formerly Invitae), Labcorp and Athena Diagnostics); PubMed 22090276 (cited by 3 submitters); PubMed 9103196 (cited by Labcorp Genetics (formerly Invitae), Labcorp); PubMed 21127195 (cited by Labcorp Genetics (formerly Invitae), Labcorp); PubMed 21819486 (cited by Labcorp Genetics (formerly Invitae), Labcorp); PubMed 22327296 (cited by Ambry Genetics).

NM_001370259.2(MEN1):c.1308G>T (p.Trp436Cys)

Gene: MEN1 (menin 1; minus strand). Cytogenetic location: 11q13.1.
Variant type: single nucleotide variant.
Coding change: c.1308G>T on transcript NM_001370259.2 (MANE Select); coding-DNA position 1308, G replaced by T.
Protein change: p.Trp436Cys; replaces tryptophan 436 with cysteine.
Molecular consequence: missense variant.
Genome position (GRCh38, 1-based): chr11:64,805,076, C>A on the plus strand (G>T on the coding strand, the complement: MEN1 is on the minus strand). VCF-style: chr11-64805076-C-A. GRCh37 (hg19) VCF-style: chr11-64572548-C-A.
Other names: c.1203G>T, p.Trp401Cys (NM_001370262.2, NM_001370263.2); c.1308G>T, p.Trp436Cys (NM_130799.3, NM_001370260.2, NM_001370261.2); c.1323G>T, p.Trp441Cys (NM_130800.3, NM_130801.3, NM_130802.3 and 3 more transcripts); c.1434G>T, p.Trp478Cys (NM_001370251.2); short protein forms W436C, W441C, W401C, W478C.
Identifiers: ClinVar variation 96250 (VCV000096250.25), dbSNP rs398124435, ClinGen allele CA009127.